The following is an entry in ClinVar:

NM_201384.3(PLEC):c.12017C>T (p.Ser4006Leu)

Gene: PLEC (plectin; minus strand). Cytogenetic location: 8q24.3.
Variant type: single nucleotide variant.
Coding change: c.12017C>T on transcript NM_201384.3 (MANE Select); coding-DNA position 12017, C replaced by T.
Protein change: p.Ser4006Leu; replaces serine 4006 with leucine.
Molecular consequence: missense variant.
Genome position (GRCh38, 1-based): chr8:143,917,804, G>A on the plus strand (C>T on the coding strand, the complement: PLEC is on the minus strand). VCF-style: chr8-143917804-G-A. GRCh37 (hg19) VCF-style: chr8-144991972-G-A.
Other names: c.12098C>T (NM_000445.4, NM_000445.3); c.12098C>T, p.Ser4033Leu (NM_000445.5); c.11975C>T, p.Ser3992Leu (NM_201378.4); c.11951C>T, p.Ser3984Leu (NM_201379.3); c.12428C>T, p.Ser4143Leu (NM_201380.4); c.11921C>T, p.Ser3974Leu (NM_201381.3); c.12017C>T, p.Ser4006Leu (NM_201382.4); c.12029C>T, p.Ser4010Leu (NM_201383.3); short protein forms S3974L, S3984L, S3992L, S4006L, S4010L, S4033L, S4143L.
Identifiers: ClinVar variation 496997 (VCV000496997.17), dbSNP rs200521669, ClinGen allele CA4924198.

ClinVar aggregate classification (germline): Uncertain significance. Review status: criteria provided, multiple submitters, no conflicts (2 of 4 stars). 5 submissions from 5 submitters: Uncertain significance (5). Last evaluated 2026-03-25.

Conditions:
Autosomal recessive limb-girdle muscular dystrophy type 2Q (LGMDR17). Also called: MUSCULAR DYSTROPHY, LIMB-GIRDLE, AUTOSOMAL RECESSIVE 17. Identifiers: Orphanet 254361, MedGen C3150989, MONDO:0013390, OMIM 613723.
Epidermolysis bullosa simplex 5B, with muscular dystrophy (EBS5B). Also called: EPIDERMOLYSIS BULLOSA SIMPLEX AND LIMB-GIRDLE MUSCULAR DYSTROPHY; Epidermolysis bullosa simplex with muscular dystrophy. Identifiers: Orphanet 257, MedGen C2931072, MONDO:0009181, OMIM 226670.
Epidermolysis bullosa simplex, Ogna type (EBS5A). Also called: Pidermolysis bullosa simplex 5A, Ogna type; EPIDERMOLYSIS BULLOSA SIMPLEX 5A, OGNA TYPE. Identifiers: Orphanet 79401, MedGen C0432317, MONDO:0007555, OMIM 131950.
Epidermolysis bullosa simplex with nail dystrophy (EBS5D). Identifiers: MedGen C4225309, MONDO:0014661, OMIM 616487.
Epidermolysis bullosa simplex 5C, with pyloric atresia (EBS5C). Also called: PLEC-Related Epidermolysis Bullosa with Pyloric Atresia; Epidermolysis bullosa simplex with pyloric atresia; PLEC1-Related Epidermolysis Bullosa with Pyloric Atresia. Identifiers: Orphanet 158684, MedGen C2677349, MONDO:0012807, OMIM 612138.
PLEC-related disorder. Also called: PLEC-related disorders; PLEC-related condition.
Inborn genetic diseases. Identifiers: MedGen C0950123, MeSH D030342.

Allele frequency attached by ClinVar (database versions not stated): ExAC 0.00002; gnomAD exomes 0.00002 and 0.00003; gnomAD 0.00005 and 0.00006; TOPMed 0.00007; ESP Exome Variant Server 0.00016.
gnomAD v4.1: 52 of 1,613,352 alleles (0.0032%); highest among the groups gnomAD compares: Admixed American, 0.0083%; no homozygotes.

Submissions (5):

PreventionGenetics, part of Exact Sciences
Classification: Uncertain significance for PLEC-related condition. Last evaluated: 2026-03-25. Review status: criteria provided, single submitter. Criteria: ACMG Guidelines, 2015. Collection method: clinical testing. Allele origin: germline.
Comment: The PLEC c.12098C>T variant is predicted to result in the amino acid substitution p.Ser4033Leu. To our knowledge, this variant has not been reported in the literature. This variant is reported in 0.0083% of alleles in individuals of African descent in gnomAD. At this time, the clinical significance of this variant is uncertain due to the absence of conclusive functional and genetic evidence.

Ambry Genetics
Classification: Uncertain significance for Inborn genetic diseases. Last evaluated: 2025-10-24. Review status: criteria provided, single submitter. Criteria: Ambry Variant Classification Scheme 2023. Collection method: clinical testing. Allele origin: germline.

Labcorp Genetics (formerly Invitae), Labcorp
Classification: Uncertain significance for Autosomal recessive limb-girdle muscular dystrophy type 2Q; Epidermolysis bullosa simplex, Ogna type; Epidermolysis bullosa simplex with nail dystrophy; Epidermolysis bullosa simplex 5C, with pyloric atresia; Epidermolysis bullosa simplex 5B, with muscular dystrophy. Last evaluated: 2025-07-13. Review status: criteria provided, single submitter. Criteria: Invitae Variant Classification Sherloc (09022015). Collection method: clinical testing. Allele origin: germline.
Comment: This sequence change replaces serine, which is neutral and polar, with leucine, which is neutral and non-polar, at codon 4033 of the PLEC protein (p.Ser4033Leu). This variant is present in population databases (rs200521669, gnomAD 0.008%). This variant has not been reported in the literature in individuals affected with PLEC-related conditions. ClinVar contains an entry for this variant (Variation ID: 496997). Invitae Evidence Modeling of protein sequence and biophysical properties (such as structural, functional, and spatial information, amino acid conservation, physicochemical variation, residue mobility, and thermodynamic stability) has been performed for this missense variant. However, the output from this modeling did not meet the statistical confidence thresholds required to predict the impact of this variant on PLEC protein function. In summary, the available evidence is currently insufficient to determine the role of this variant in disease. Therefore, it has been classified as a Variant of Uncertain Significance.

Revvity Omics, Revvity
Classification: Uncertain significance. Last evaluated: 2022-03-10. Review status: criteria provided, single submitter. Criteria: ACMG Guidelines, 2015. Collection method: clinical testing. Allele origin: germline.

Eurofins Ntd Llc (ga)
Classification: Uncertain significance. Last evaluated: 2018-09-14. Review status: criteria provided, single submitter. Criteria: EGL ClinVar v180209 classification definitions. Collection method: clinical testing. Allele origin: germline. Observed: 10 variant alleles, 10 heterozygotes.